The following is an entry in ClinVar:

NM_001032283.3(TMPO):c.280-90G>T

Gene: TMPO (thymopoietin; plus strand). Cytogenetic location: 12q23.1.
Variant type: single nucleotide variant.
Coding change: c.280-90G>T on transcript NM_001032283.3 (MANE Select); 90 bases into the intron before coding-DNA position 280, G replaced by T.
Molecular consequence: intron variant.
Genome position (GRCh38, 1-based): chr12:98,527,796, G>T. VCF-style: chr12-98527796-G-T. GRCh37 (hg19) VCF-style: chr12-98921574-G-T.
Other names: c.280-90G>T (NM_003276.2, NM_001307975.2, NM_001032284.3).
Identifiers: ClinVar variation 672960 (VCV000672960.2), dbSNP rs11109517, ClinGen allele CA15752433.

ClinVar aggregate classification (germline): Benign. Review status: criteria provided, multiple submitters, no conflicts (2 of 4 stars). 2 submissions from 2 submitters: Benign (2). Last evaluated 2018-06-16.

Allele frequency attached by ClinVar (database versions not stated): 1000 Genomes Project 0.13339; 1000 Genomes Project 30x 0.13570; TOPMed 0.20269; gnomAD 0.21632 and 0.21979; gnomAD exomes 0.28568.
gnomAD v4.1: 411,031 of 1,482,198 alleles (28%); highest among the groups gnomAD compares: Non-Finnish European, 31%; 62,422 homozygotes.

Submissions (2):

GeneDx
Classification: Benign. Last evaluated: 2018-06-16. Review status: criteria provided, single submitter. Criteria: GeneDx Variant Classification (06012015). Collection method: clinical testing. Allele origin: germline. Affected: yes.
Comment: This variant is considered likely benign or benign based on one or more of the following criteria: it is a conservative change, it occurs at a poorly conserved position in the protein, it is predicted to be benign by multiple in silico algorithms, and/or has population frequency not consistent with disease.

Breakthrough Genomics
Classification: Benign. Review status: criteria provided, single submitter. Criteria: ACMG Guidelines, 2015. Collection method: not provided. Allele origin: germline. Inheritance: Unknown mechanism. Affected: yes.